The following is an entry in ClinVar:

ClinVar aggregate classification (germline): Conflicting classifications of pathogenicity. Review status: criteria provided, conflicting classifications (1 of 4 stars). 3 submissions from 3 submitters: Uncertain significance (2); Likely benign (1). Last evaluated 2025-08-04.

Conditions:
Hereditary cancer-predisposing syndrome. Also called: Neoplastic Syndromes, Hereditary; Hereditary neoplastic syndrome; Tumor predisposition; Hereditary Cancer Syndrome. Identifiers: Orphanet 140162, MedGen C0027672, MeSH D009386, MONDO:0015356.
Fanconi anemia complementation group O. Also called: RAD51C-Related Fanconi Anemia. Identifiers: Orphanet 84, MedGen C3150653, MONDO:0013248, OMIM 613390.

Submissions (3):

Color Diagnostics, LLC DBA Color Health
Classification: Uncertain significance for Hereditary cancer-predisposing syndrome. Last evaluated: 2025-08-04. Review status: criteria provided, single submitter. Criteria: ACMG Guidelines, 2015. Collection method: clinical testing. Allele origin: germline.
Comment: This missense variant replaces glycine with glutamic acid at codon 3 of the RAD51C protein. Computational prediction suggests that this variant may not impact protein structure and function. To our knowledge, functional studies have not been reported for this variant. This variant has not been reported in individuals affected with RAD51C-related disorders in the literature. This variant has not been identified in the general population by the Genome Aggregation Database (gnomAD). The available evidence is insufficient to determine the role of this variant in disease conclusively. Therefore, this variant is classified as a Variant of Uncertain Significance.

Labcorp Genetics (formerly Invitae), Labcorp
Classification: Uncertain significance for Fanconi anemia complementation group O. Last evaluated: 2024-12-11. Review status: criteria provided, single submitter. Criteria: Invitae Variant Classification Sherloc (09022015). Collection method: clinical testing. Allele origin: germline.
Comment: This sequence change replaces glycine, which is neutral and non-polar, with glutamic acid, which is acidic and polar, at codon 3 of the RAD51C protein (p.Gly3Glu). This variant is not present in population databases (gnomAD no frequency). This variant has not been reported in the literature in individuals affected with RAD51C-related conditions. ClinVar contains an entry for this variant (Variation ID: 660651). An algorithm developed to predict the effect of missense changes on protein structure and function (PolyPhen-2) suggests that this variant is likely to be tolerated. In summary, the available evidence is currently insufficient to determine the role of this variant in disease. Therefore, it has been classified as a Variant of Uncertain Significance.

Ambry Genetics
Classification: Likely benign for Hereditary cancer-predisposing syndrome. Last evaluated: 2024-02-26. Review status: criteria provided, single submitter. Criteria: Ambry Variant Classification Scheme 2023. Collection method: clinical testing. Allele origin: germline.

NM_058216.3(RAD51C):c.8G>A (p.Gly3Glu)

Gene: RAD51C (RAD51 paralog C; plus strand). Cytogenetic location: 17q22.
Variant type: single nucleotide variant.
Coding change: c.8G>A on transcript NM_058216.3 (MANE Select); coding-DNA position 8, G replaced by A.
Protein change: p.Gly3Glu; replaces glycine 3 with glutamic acid.
Molecular consequence: missense variant. On other transcripts: non-coding transcript variant (2).
Genome position (GRCh38, 1-based): chr17:58,692,651, G>A. VCF-style: chr17-58692651-G-A. GRCh37 (hg19) VCF-style: chr17-56770012-G-A.
Other names: c.8G>A, p.Gly3Glu (NM_002876.4); short protein forms G3E.
Identifiers: ClinVar variation 660651 (VCV000660651.13), dbSNP rs1555591761, ClinGen allele CA400336095.